The following is an entry in ClinVar:

ClinVar aggregate classification (germline): Uncertain significance (1 of 4 stars; one submission).

Allele frequency attached by ClinVar (database versions not stated): TOPMed 0.00001.

Submission:

Labcorp Genetics (formerly Invitae), Labcorp
Classification: Uncertain significance. Last evaluated: 2022-01-14. Review status: criteria provided, single submitter. Criteria: Invitae Variant Classification Sherloc (09022015). Collection method: clinical testing. Allele origin: germline.
Comment: This sequence change replaces cysteine, which is neutral and slightly polar, with serine, which is neutral and polar, at codon 33 of the CFI protein (p.Cys33Ser). In summary, the available evidence is currently insufficient to determine the role of this variant in disease. Therefore, it has been classified as a Variant of Uncertain Significance. Advanced modeling of protein sequence and biophysical properties (such as structural, functional, and spatial information, amino acid conservation, physicochemical variation, residue mobility, and thermodynamic stability) performed at Invitae indicates that this missense variant is expected to disrupt CFI protein function. This variant has not been reported in the literature in individuals affected with CFI-related conditions. This variant is not present in population databases (gnomAD no frequency).

NM_000204.5(CFI):c.97T>A (p.Cys33Ser)

Gene: CFI (complement factor I; minus strand). Cytogenetic location: 4q25.
Variant type: single nucleotide variant.
Coding change: c.97T>A on transcript NM_000204.5 (MANE Select); coding-DNA position 97, T replaced by A.
Protein change: p.Cys33Ser; replaces cysteine 33 with serine.
Molecular consequence: missense variant. On other transcripts: non-coding transcript variant (3), intron variant (1).
Genome position (GRCh38, 1-based): chr4:109,766,785, A>T on the plus strand (T>A on the coding strand, the complement: CFI is on the minus strand). VCF-style: chr4-109766785-A-T. GRCh37 (hg19) VCF-style: chr4-110687941-A-T.
Other names: c.97T>A, p.Cys33Ser (NM_001318057.2, NM_001331035.2, NM_001375278.1 and 5 more transcripts); c.-127-5093T>A (NM_001375284.1); short protein forms C33S.
Identifiers: ClinVar variation 1370176 (VCV001370176.8), dbSNP rs1209698172, ClinGen allele CA357865765.